The following is an entry in ClinVar:

NM_001244008.2(KIF1A):c.5047C>G (p.Leu1683Val)

Gene: KIF1A (kinesin family member 1A; minus strand). Cytogenetic location: 2q37.3.
Variant type: single nucleotide variant.
Coding change: c.5047C>G on transcript NM_001244008.2 (MANE Select); coding-DNA position 5047, C replaced by G.
Protein change: p.Leu1683Val; replaces leucine 1683 with valine.
Molecular consequence: missense variant.
Genome position (GRCh38, 1-based): chr2:240,719,173, G>C on the plus strand (C>G on the coding strand, the complement: KIF1A is on the minus strand). VCF-style: chr2-240719173-G-C. GRCh37 (hg19) VCF-style: chr2-241658590-G-C.
Other names: c.4771C>G, p.Leu1591Val (NM_001320705.2, NM_001379649.1); c.4798C>G, p.Leu1600Val (NM_001330289.2); c.4846C>G, p.Leu1616Val (NM_001330290.2, NM_001379648.1); c.5122C>G, p.Leu1708Val (NM_001379631.1); c.5023C>G, p.Leu1675Val (NM_001379632.1); c.5020C>G, p.Leu1674Val (NM_001379633.1, NM_001379645.1); c.4873C>G, p.Leu1625Val (NM_001379634.1); c.4870C>G, p.Leu1624Val (NM_001379635.1, NM_001379646.1); and 7 more; short protein forms L1616V, L1625V, L1708V, L1591V, L1600V, L1675V, L1590V, L1607V.
Identifiers: ClinVar variation 2922496 (VCV002922496.3), dbSNP rs2044949107, ClinGen allele CA351298886.

ClinVar aggregate classification (germline): Uncertain significance (1 of 4 stars; one submission).

Conditions:
Neuropathy, hereditary sensory, type 2C. Also called: Hereditary sensory and autonomic neuropathy type IIC; KIF1A-Related HSAN2 (HSAN2C). Identifiers: Orphanet 970, MedGen C3280168, MONDO:0013634, OMIM 614213.
Hereditary spastic paraplegia 30. Identifiers: Orphanet 101010, MedGen C5235139, MONDO:0012476.
Intellectual disability, autosomal dominant 9 (NESCAVS). Also called: NESCAV SYNDROME; KIF1A-Related Neurodevelopmental Disorder. Identifiers: Orphanet 662367, MedGen C5393830, MONDO:0013656, OMIM 614255.

Allele frequency attached by ClinVar (database versions not stated): TOPMed below 0.00001.

Submission:

Labcorp Genetics (formerly Invitae), Labcorp
Classification: Uncertain significance for Hereditary spastic paraplegia 30; Neuropathy, hereditary sensory, type 2C; Intellectual disability, autosomal dominant 9. Last evaluated: 2024-01-28. Review status: criteria provided, single submitter. Criteria: Invitae Variant Classification Sherloc (09022015). Collection method: clinical testing. Allele origin: germline.
Comment: This sequence change replaces leucine, which is neutral and non-polar, with valine, which is neutral and non-polar, at codon 1582 of the KIF1A protein (p.Leu1582Val). This variant is not present in population databases (gnomAD no frequency). This variant has not been reported in the literature in individuals affected with KIF1A-related conditions. Advanced modeling of protein sequence and biophysical properties (such as structural, functional, and spatial information, amino acid conservation, physicochemical variation, residue mobility, and thermodynamic stability) performed at Invitae indicates that this missense variant is not expected to disrupt KIF1A protein function with a negative predictive value of 95%. In summary, the available evidence is currently insufficient to determine the role of this variant in disease. Therefore, it has been classified as a Variant of Uncertain Significance.